The following is an entry in ClinVar:

ClinVar aggregate classification (germline): Likely benign. Review status: criteria provided, multiple submitters, no conflicts (2 of 4 stars). 2 submissions from 2 submitters: Likely benign (2). Last evaluated 2024-11-24.

Conditions:
Developmental and epileptic encephalopathy, 1 (DEE1). Also called: X-linked infantile spasms; West's syndrome; Tonic spasms with clustering, arrest of psychomotor development and hypsarrhythmia on EEG; X-Linked Infantile Spasm Syndrome; OHTAHARA SYNDROME, X-LINKED; Epileptic encephalopathy, early infantile, 1. Identifiers: MedGen C3463992, MONDO:0010632, OMIM 308350. Disease mechanism: loss of function.
Intellectual disability, X-linked, with or without seizures, ARX-related. Also called: Mental retardation, X-linked 52; MENTAL RETARDATION, X-LINKED 29; MENTAL RETARDATION, X-LINKED 32; MENTAL RETARDATION, X-LINKED 33; MENTAL RETARDATION, X-LINKED 38; MENTAL RETARDATION, X-LINKED 43. Identifiers: Orphanet 777, MedGen C0796244, MONDO:0010317, OMIM 300419.

Allele frequency attached by ClinVar (database versions not stated): gnomAD exomes below 0.00001 and 0.00002.
gnomAD v4.1: 2 of 1,154,807 alleles (0.00017%); highest among the groups gnomAD compares: Admixed American, 0.0051%; no homozygotes.

Submissions (2):

Labcorp Genetics (formerly Invitae), Labcorp
Classification: Likely benign for Developmental and epileptic encephalopathy, 1; Intellectual disability, X-linked, with or without seizures, ARX-related. Last evaluated: 2024-11-24. Review status: criteria provided, single submitter. Criteria: Invitae Variant Classification Sherloc (09022015). Collection method: clinical testing. Allele origin: germline.

GeneDx
Classification: Likely benign. Last evaluated: 2020-02-03. Review status: criteria provided, single submitter. Criteria: GeneDx Variant Classification Process June 2021. Collection method: clinical testing. Allele origin: germline. Affected: yes.
Comment: In silico analysis supports that this missense variant does not alter protein structure/function; Has not been previously published as pathogenic or benign to our knowledge

NM_139058.3(ARX):c.739G>C (p.Asp247His)

Gene: ARX (aristaless related homeobox; minus strand). Cytogenetic location: Xp21.3.
Variant type: single nucleotide variant.
Coding change: c.739G>C on transcript NM_139058.3 (MANE Select); coding-DNA position 739, G replaced by C.
Protein change: p.Asp247His; replaces aspartic acid 247 with histidine.
Molecular consequence: missense variant.
Genome position (GRCh38, 1-based): chrX:25,013,256, C>G on the plus strand (G>C on the coding strand, the complement: ARX is on the minus strand). VCF-style: chrX-25013256-C-G. GRCh37 (hg19) VCF-style: chrX-25031373-C-G.
Other names: short protein forms D247H.
Identifiers: ClinVar variation 1216161 (VCV001216161.13), dbSNP rs765259012, ClinGen allele CA10373884.